The following is an entry in ClinVar:

ClinVar aggregate classification (germline): Conflicting classifications of pathogenicity. Review status: criteria provided, conflicting classifications (1 of 4 stars). 5 submissions from 5 submitters: Uncertain significance (4); Likely benign (1). Last evaluated 2026-05-15.

Conditions:
Hereditary cancer-predisposing syndrome. Also called: Neoplastic Syndromes, Hereditary; Tumor predisposition; Hereditary Cancer Syndrome; Hereditary neoplastic syndrome. Identifiers: Orphanet 140162, MedGen C0027672, MeSH D009386, MONDO:0015356.
Breast-ovarian cancer, familial, susceptibility to, 1 (BROVCA1). Also called: OVARIAN CANCER, SUSCEPTIBILITY TO; BRCA1 Hereditary Breast and Ovarian Cancer. Identifiers: Orphanet 145, MedGen C2676676, MONDO:0011450, OMIM 604370. Disease mechanism: loss of function.
Hereditary breast ovarian cancer syndrome. Also called: Breast and ovarian cancer; Hereditary breast and/or ovarian cancer syndrome; Hereditary breast and ovarian cancer syndrome; BRCA1- and BRCA2-Associated Hereditary Breast and Ovarian Cancer; Hereditary breast and ovarian cancer; Hereditary breast and ovarian cancer syndrome (HBOC). Identifiers: Orphanet 145, MedGen C0677776, MeSH D061325, MONDO:0003582. Disease mechanism: loss of function.

Allele frequency attached by ClinVar (database versions not stated): gnomAD exomes below 0.00001.
gnomAD v4.1: 1 of 1,614,038 alleles (0.000062%); highest among the groups gnomAD compares: East Asian, 0.0022%; no homozygotes.

Submissions (5):

Ambry Genetics
Classification: Uncertain significance for Hereditary cancer-predisposing syndrome. Last evaluated: 2026-05-15. Review status: criteria provided, single submitter. Criteria: Ambry Variant Classification Scheme 2023. Collection method: clinical testing. Allele origin: germline.
Comment: The p.L471F variant (also known as c.1411C>T), located in coding exon 9 of the BRCA1 gene, results from a C to T substitution at nucleotide position 1411. The leucine at codon 471 is replaced by phenylalanine, an amino acid with highly similar properties. This amino acid position is not well conserved in available vertebrate species. In addition, the in silico prediction for this alteration is inconclusive. Based on the available evidence, the clinical significance of this variant remains unclear.

GeneDx
Classification: Uncertain significance. Last evaluated: 2025-05-01. Review status: criteria provided, single submitter. Criteria: GeneDx Variant Classification Process June 2021. Collection method: clinical testing. Allele origin: germline. Affected: yes.
Comment: Not observed at significant frequency in large population cohorts (gnomAD); In silico analysis supports that this missense variant has a deleterious effect on protein structure/function; Has not been previously published as pathogenic or benign to our knowledge; Also known as 1530C>T; This variant is associated with the following publications: (PMID: 15343273, 9582019, 9926942, 9788437, 10426999)

All of Us Research Program, National Institutes of Health
Classification: Uncertain significance for Breast-ovarian cancer, familial, susceptibility to, 1. Last evaluated: 2023-05-04. Review status: criteria provided, single submitter. Criteria: ACMG Guidelines, 2015. Collection method: clinical testing. Allele origin: germline. Inheritance: Autosomal dominant inheritance. Observed: 1 variant allele, 1 heterozygote.
Comment: This missense variant replaces leucine with phenylalanine at codon 471 of the BRCA1 protein. Computational prediction is inconclusive regarding the impact of this variant on protein structure and function (internally defined REVEL score threshold 0.5 < inconclusive < 0.7, PMID: 27666373). To our knowledge, functional studies have not been reported for this variant. This variant has not been reported as a germline variant in individuals affected with hereditary cancer in the literature. This variant has been identified in 1/251228 chromosomes in the general population by the Genome Aggregation Database (gnomAD). The available evidence is insufficient to determine the role of this variant in disease conclusively. Therefore, this variant is classified as a Variant of Uncertain Significance.

This study involves interpretation of variants in research participants for the purpose of population health screening. Participant phenotype was not available at the time of variant classification. Additional details can be found in publication PMID: 35346344, PMCID: PMC8962531

University of Washington Department of Laboratory Medicine, University of Washington
Classification: Likely benign for Hereditary cancer-predisposing syndrome. Last evaluated: 2023-03-23. Review status: criteria provided, single submitter. Criteria: Dines et al. (Genet Med. 2020). Collection method: curation. Allele origin: germline.
Comment: Missense variant in a coldspot region where missense variants are very unlikely to be pathogenic (PMID:31911673).

BRCA1 coldspot (exon 11 using historical exon numbering). Reclassification based on statistical prior probability

Labcorp Genetics (formerly Invitae), Labcorp
Classification: Uncertain significance for Hereditary breast ovarian cancer syndrome. Last evaluated: 2021-05-28. Review status: criteria provided, single submitter. Criteria: Invitae Variant Classification Sherloc (09022015). Collection method: clinical testing. Allele origin: germline.
Comment: In summary, the available evidence is currently insufficient to determine the role of this variant in disease. Therefore, it has been classified as a Variant of Uncertain Significance. Advanced modeling of protein sequence and biophysical properties (such as structural, functional, and spatial information, amino acid conservation, physicochemical variation, residue mobility, and thermodynamic stability) performed at Invitae indicates that this missense variant is not expected to disrupt BRCA1 protein function. This variant has not been reported in the literature in individuals with BRCA1-related conditions. This variant is not present in population databases (ExAC no frequency). This sequence change replaces leucine with phenylalanine at codon 471 of the BRCA1 protein (p.Leu471Phe). The leucine residue is moderately conserved and there is a small physicochemical difference between leucine and phenylalanine.

NM_007294.4(BRCA1):c.1411C>T (p.Leu471Phe)

Gene: BRCA1 (BRCA1 DNA repair associated; minus strand). Cytogenetic location: 17q21.31.
Variant type: single nucleotide variant.
Coding change: c.1411C>T on transcript NM_007294.4 (MANE Select); coding-DNA position 1411, C replaced by T.
Protein change: p.Leu471Phe; replaces leucine 471 with phenylalanine.
Molecular consequence: missense variant. On other transcripts: intron variant (137).
Genome position (GRCh38, 1-based): chr17:43,094,120, G>A on the plus strand (C>T on the coding strand, the complement: BRCA1 is on the minus strand). VCF-style: chr17-43094120-G-A. GRCh37 (hg19) VCF-style: chr17-41246137-G-A.
Other names: c.1411C>T, p.Leu471Phe (NM_001407684.1, NM_001407594.1, NM_001407596.1 and 30 more transcripts); c.1285C>T, p.Leu429Phe (NM_001407685.1, NM_001407686.1, NM_001407687.1 and 11 more transcripts); c.1408C>T, p.Leu470Phe (NM_001407610.1, NM_001407611.1, NM_001407612.1 and 22 more transcripts); c.1270C>T, p.Leu424Phe (NM_001407727.1, NM_001407728.1, NM_001407729.1 and 29 more transcripts); c.1267C>T, p.Leu423Phe (NM_001407746.1, NM_001407747.1, NM_001407748.1 and 20 more transcripts); c.1402C>T, p.Leu468Phe (NM_001407646.1, NM_001407647.1); c.1288C>T, p.Leu430Phe (NM_001407648.1, NM_001407664.1, NM_001407665.1 and 19 more transcripts); c.1198C>T, p.Leu400Phe (NM_001407853.1, NM_001407894.1, NM_001407895.1 and 9 more transcripts); and 40 more; short protein forms L424F, L471F, L303F, L344F, L423F, L430F, L444F, L470F.
Identifiers: ClinVar variation 1522766 (VCV001522766.14), dbSNP rs1282963652, ClinGen allele CA10599224.